The following is an entry in ClinVar:

ClinVar aggregate classification (germline): Likely benign. Review status: criteria provided, multiple submitters, no conflicts (2 of 4 stars). 2 submissions from 2 submitters: Likely benign (2). Last evaluated 2020-12-01.

Conditions:
Hereditary xanthinuria type 1 (XAN1). Identifiers: Orphanet 3467, Orphanet 93601, MedGen C0268118, MONDO:0010209, OMIM 278300.

Allele frequency attached by ClinVar (database versions not stated): gnomAD exomes 0.00125; ESP Exome Variant Server 0.01248; gnomAD 0.01266 and 0.01351; 1000 Genomes Project 0.01378; 1000 Genomes Project 30x 0.01437; TOPMed 0.01446.
gnomAD v4.1: 3,802 of 1,589,820 alleles (0.24%); highest among the groups gnomAD compares: African/African-American, 4.6%; 79 homozygotes.

Submissions (2):

GeneDx
Classification: Likely benign. Last evaluated: 2020-12-01. Review status: criteria provided, single submitter. Criteria: GeneDx Variant Classification Process June 2021. Collection method: clinical testing. Allele origin: germline. Affected: yes.
Comment: See Variant Classification Assertion Criteria.

Illumina Laboratory Services, Illumina
Classification: Likely benign for Hereditary xanthinuria type 1. Last evaluated: 2017-04-27. Review status: criteria provided, single submitter. Criteria: ICSL Variant Classification Criteria 13 December 2019. Collection method: clinical testing. Allele origin: germline.
Comment: This variant was observed as part of a predisposition screen in an ostensibly healthy population. A literature search was performed for the gene, cDNA change, and amino acid change (where applicable). No publications were found based on this search. Allele frequency data from public databases allowed determination this variant is unlikely to cause disease. Therefore, this variant is classified as likely benign.

NM_000379.4(XDH):c.-66G>C

Gene: XDH (xanthine dehydrogenase; minus strand). Cytogenetic location: 2p23.1.
Variant type: single nucleotide variant.
Coding change: c.-66G>C on transcript NM_000379.4 (MANE Select); 66 bases upstream of the start codon, G replaced by C.
Molecular consequence: 5 prime UTR variant.
Genome position (GRCh38, 1-based): chr2:31,414,732, C>G on the plus strand (G>C on the coding strand, the complement: XDH is on the minus strand). VCF-style: chr2-31414732-C-G. GRCh37 (hg19) VCF-style: chr2-31637598-C-G.
Identifiers: ClinVar variation 335801 (VCV000335801.6), dbSNP rs36208390, ClinGen allele CA10615285.